The following is an entry in ClinVar:

ClinVar aggregate classification (germline): Likely pathogenic (1 of 4 stars; one submission).

Conditions:
Microcephaly, growth restriction, and increased sister chromatid exchange 2. Identifiers: MedGen C4748176, MONDO:0020628, OMIM 618097.
Progressive external ophthalmoplegia with mitochondrial DNA deletions, autosomal recessive 5. Also called: PROGRESSIVE EXTERNAL OPHTHALMOPLEGIA, AUTOSOMAL RECESSIVE 5. Identifiers: MedGen C4748184, MONDO:0020845, OMIM 618098.

gnomAD v4.1: 2 of 1,614,152 alleles (0.00012%); highest among the groups gnomAD compares: South Asian, 0.0011%; no homozygotes.

Submission:

Juno Genomics, Hangzhou Juno Genomics, Inc
Classification: Likely pathogenic for Progressive external ophthalmoplegia with mitochondrial DNA deletions, autosomal recessive 5; Microcephaly, growth restriction, and increased sister chromatid exchange 2. Review status: criteria provided, single submitter. Criteria: ACMG Guidelines, 2015. Collection method: clinical testing. Allele origin: germline. Affected: yes.
Comment: Absent from controls (or at extremely low frequency if recessive) in Genome Aggregation Database, Exome Sequencing Project, 1000 Genomes Project, or Exome Aggregation Consortium.;Null variant in a gene where loss of function (LOF) is a known mechanism of disease.

NM_004618.5(TOP3A):c.865C>T (p.Arg289Ter)

Gene: TOP3A (DNA topoisomerase III alpha; minus strand). Cytogenetic location: 17p11.2.
Variant type: single nucleotide variant.
Coding change: c.865C>T on transcript NM_004618.5 (MANE Select); coding-DNA position 865, C replaced by T.
Protein change: p.Arg289Ter; replaces arginine 289 with a stop codon.
Molecular consequence: nonsense.
Genome position (GRCh38, 1-based): chr17:18,301,935, G>A on the plus strand (C>T on the coding strand, the complement: TOP3A is on the minus strand). VCF-style: chr17-18301935-G-A. GRCh37 (hg19) VCF-style: chr17-18205249-G-A.
Other names: c.580C>T, p.Arg194Ter (NM_001320759.2); short protein forms R194*, R289*.
Identifiers: ClinVar variation 3382278 (VCV003382278.2).